The following is an entry in ClinVar:

ClinVar aggregate classification (germline): Uncertain significance (1 of 4 stars; one submission).

gnomAD v4.1: 3 of 1,613,908 alleles (0.00019%); highest among the groups gnomAD compares: Non-Finnish European, 0.00017%; no homozygotes.

Submission:

GeneDx
Classification: Uncertain significance. Last evaluated: 2025-06-03. Review status: criteria provided, single submitter. Criteria: GeneDx Variant Classification Process June 2021. Collection method: clinical testing. Allele origin: germline. Affected: yes.
Comment: Not observed at significant frequency in large population cohorts (gnomAD); In silico analysis suggests that this missense variant does not alter protein structure/function; Has not been previously published as pathogenic or benign to our knowledge

NM_018263.6(ASXL2):c.578A>T (p.His193Leu)

Gene: ASXL2 (ASXL transcriptional regulator 2; minus strand). Cytogenetic location: 2p23.3.
Variant type: single nucleotide variant.
Coding change: c.578A>T on transcript NM_018263.6 (MANE Select); coding-DNA position 578, A replaced by T.
Protein change: p.His193Leu; replaces histidine 193 with leucine.
Molecular consequence: missense variant. On other transcripts: 5 prime UTR variant (1).
Genome position (GRCh38, 1-based): chr2:25,768,795, T>A on the plus strand (A>T on the coding strand, the complement: ASXL2 is on the minus strand). VCF-style: chr2-25768795-T-A. GRCh37 (hg19) VCF-style: chr2-25991664-T-A.
Other names: c.404A>T, p.His135Leu (NM_001369346.1); c.-203A>T (NM_001369347.1); short protein forms H135L, H193L.
Identifiers: ClinVar variation 4536565 (VCV004536565.1).